The following is an entry in ClinVar:

ClinVar aggregate classification (germline): Uncertain significance (1 of 4 stars; one submission).

Conditions:
Cardiovascular phenotype. Identifiers: MedGen CN230736.

gnomAD v4.1: 2 of 1,612,844 alleles (0.00012%); highest among the groups gnomAD compares: East Asian, 0.0045%; no homozygotes.

Submission:

Ambry Genetics
Classification: Uncertain significance for Cardiovascular phenotype. Last evaluated: 2018-01-15. Review status: criteria provided, single submitter. Criteria: Ambry Variant Classification Scheme 2023. Collection method: clinical testing. Allele origin: germline.
Comment: The p.P13978S variant (also known as c.41932C>T), located in coding exon 151 of the TTN gene, results from a C to T substitution at nucleotide position 41932. The proline at codon 13978 is replaced by serine, an amino acid with similar properties. This amino acid position is highly conserved in available vertebrate species. In addition, this alteration is predicted to be tolerated by in silico analysis. Since supporting evidence is limited at this time, the clinical significance of this alteration remains unclear.

NM_001267550.2(TTN):c.69127C>T (p.Pro23043Ser)

Genes: TTN (titin; minus strand), TTN-AS1 (TTN antisense RNA 1; plus strand). Cytogenetic location: 2q31.2.
Variant type: single nucleotide variant.
Coding change: c.69127C>T on transcript NM_001267550.2 (MANE Select); coding-DNA position 69127, C replaced by T.
Protein change: p.Pro23043Ser; replaces proline 23043 with serine.
Molecular consequence: missense variant.
Genome position (GRCh38, 1-based): chr2:178,577,208, G>A on the plus strand (C>T on the coding strand, the complement: TTN is on the minus strand). VCF-style: chr2-178577208-G-A. GRCh37 (hg19) VCF-style: chr2-179441935-G-A.
Other names: c.64204C>T, p.Pro21402Ser (NM_001256850.1); c.41932C>T, p.Pro13978Ser (NM_003319.4); c.61423C>T, p.Pro20475Ser (NM_133378.4); c.42307C>T, p.Pro14103Ser (NM_133432.3); c.42508C>T, p.Pro14170Ser (NM_133437.4); short protein forms P20475S, P21402S, P14103S, P14170S, P13978S, P23043S.
Identifiers: ClinVar variation 1738583 (VCV001738583.2), dbSNP rs1251404237, ClinGen allele CA349669981.
Genomic context (GRCh38, chr2:178,577,208, plus strand): 5'-GTGTCCATGTAAGTGTTGCTTTTTCAGCAGAAACATTACTGATTTCAACAGGACCTGGGG[G>A]ACCAGGTACATCAAGGACTGTTACCTTCACATGTTCCACCTTCGTGCCAAAAGGATTGGT-3'
Protein context (NP_001254479.2, residues 23033-23053): VKVTVLDVPG[Pro23043Ser]PGPVEISNVS